The following is an entry in ClinVar:

NM_052989.3(IFT122):c.3576G>A (p.Trp1192Ter)

Gene: IFT122 (intraflagellar transport 122; plus strand). Cytogenetic location: 3q22.1.
Variant type: single nucleotide variant.
Coding change: c.3576G>A on transcript NM_052989.3 (MANE Select); coding-DNA position 3576, G replaced by A.
Protein change: p.Trp1192Ter; replaces tryptophan 1192 with a stop codon.
Molecular consequence: nonsense.
Genome position (GRCh38, 1-based): chr3:129,519,672, G>A. VCF-style: chr3-129519672-G-A. GRCh37 (hg19) VCF-style: chr3-129238515-G-A.
Other names: c.3345G>A, p.Trp1115Ter (NM_001410813.1); c.3243G>A, p.Trp1081Ter (NM_001410815.1); c.3192G>A, p.Trp1064Ter (NM_001410817.1); c.3399G>A, p.Trp1133Ter (NM_018262.4); c.3729G>A, p.Trp1243Ter (NM_052985.4); c.3246G>A, p.Trp1082Ter (NM_052990.3); c.3555G>A, p.Trp1185Ter (NM_001280541.2); c.3126G>A, p.Trp1042Ter (NM_001280545.2); and 5 more; short protein forms W1042*, W1064*, W1081*, W1082*, W1115*, W1116*, W1133*, W1134*.
Identifiers: ClinVar variation 3621437 (VCV003621437.2).

ClinVar aggregate classification (germline): Pathogenic (1 of 4 stars; one submission).

Conditions:
Cranioectodermal dysplasia 1 (CED1). Also called: LEVIN SYNDROME I. Identifiers: Orphanet 1515, MedGen C0432235, MONDO:0021093, OMIM 218330.

Submission:

Labcorp Genetics (formerly Invitae), Labcorp
Classification: Pathogenic for Cranioectodermal dysplasia 1. Last evaluated: 2024-03-13. Review status: criteria provided, single submitter. Criteria: Invitae Variant Classification Sherloc (09022015). Collection method: clinical testing. Allele origin: germline.
Comment: This sequence change creates a premature translational stop signal (p.Trp1243*) in the IFT122 gene. It is expected to result in an absent or disrupted protein product. Loss-of-function variants in IFT122 are known to be pathogenic (PMID: 20493458, 23826986, 26792575). This variant is not present in population databases (gnomAD no frequency). This variant has not been reported in the literature in individuals affected with IFT122-related conditions. For these reasons, this variant has been classified as Pathogenic.

Literature cited by the submitters: PubMed 20493458; PubMed 23826986; PubMed 26792575.